The following is an entry in ClinVar:

NM_001281956.2(CSMD2):c.9375C>T (p.Gly3125=)

Gene: CSMD2 (CUB and Sushi multiple domains 2; minus strand). Cytogenetic location: 1p35.1.
Variant type: single nucleotide variant.
Coding change: c.9375C>T on transcript NM_001281956.2 (MANE Select); coding-DNA position 9375, C replaced by T.
Protein change: p.Gly3125=; no amino-acid change (glycine 3125 retained).
Molecular consequence: synonymous variant.
Genome position (GRCh38, 1-based): chr1:33,541,212, G>A on the plus strand (C>T on the coding strand, the complement: CSMD2 is on the minus strand). VCF-style: chr1-33541212-G-A. GRCh37 (hg19) VCF-style: chr1-34006812-G-A.
Other names: c.8943C>T, p.Gly2981= (NM_052896.5).
Identifiers: ClinVar variation 2638625 (VCV002638625.24), dbSNP rs767117766, ClinGen allele CA750787.

ClinVar aggregate classification (germline): Likely benign (1 of 4 stars; one submission).

Allele frequency attached by ClinVar (database versions not stated): gnomAD 0.00001; TOPMed 0.00001; ExAC 0.00002; gnomAD exomes 0.00002.
gnomAD v4.1: 33 of 1,613,948 alleles (0.002%); highest among the groups gnomAD compares: Non-Finnish European, 0.0027%; no homozygotes.

Submission:

CeGaT Center for Human Genetics Tuebingen
Classification: Likely benign. Last evaluated: 2023-08-01. Review status: criteria provided, single submitter. Criteria: CeGaT Center For Human Genetics Tuebingen Variant Classification Criteria Version 2. Collection method: clinical testing. Allele origin: germline. Affected: yes. Observed: 1 variant allele.
Comment: CSMD2: BP4, BP7